The following is an entry in ClinVar:

NM_004369.4(COL6A3):c.4180T>C (p.Phe1394Leu)

Gene: COL6A3 (collagen type VI alpha 3 chain; minus strand). Cytogenetic location: 2q37.3.
Variant type: single nucleotide variant.
Coding change: c.4180T>C on transcript NM_004369.4 (MANE Select); coding-DNA position 4180, T replaced by C.
Protein change: p.Phe1394Leu; replaces phenylalanine 1394 with leucine.
Molecular consequence: missense variant.
Genome position (GRCh38, 1-based): chr2:237,371,837, A>G on the plus strand (T>C on the coding strand, the complement: COL6A3 is on the minus strand). VCF-style: chr2-237371837-A-G. GRCh37 (hg19) VCF-style: chr2-238280480-A-G.
Other names: c.2959T>C, p.Phe987Leu (NM_057164.5); c.3562T>C, p.Phe1188Leu (NM_057165.5, NM_057167.4); c.2359T>C, p.Phe787Leu (NM_057166.5); short protein forms F1188L, F1394L, F787L, F987L.
Identifiers: ClinVar variation 1393519 (VCV001393519.11), dbSNP rs746868834, ClinGen allele CA2188980.

ClinVar aggregate classification (germline): Uncertain significance (1 of 4 stars; one submission).

Conditions:
Bethlem myopathy 1A. Also called: Bethlem myopathy 1; Bethlem Muscular Dystrophy; MYOPATHY, BENIGN CONGENITAL, WITH CONTRACTURES. Identifiers: Orphanet 610, MedGen CN029274, MONDO:0024530, OMIM 158810.

Allele frequency attached by ClinVar (database versions not stated): gnomAD exomes below 0.00001 and 0.00001; ExAC 0.00001; TOPMed 0.00001; gnomAD 0.00002.
gnomAD v4.1: 19 of 1,613,356 alleles (0.0012%); highest among the groups gnomAD compares: Non-Finnish European, 0.0015%; no homozygotes.

Submission:

Labcorp Genetics (formerly Invitae), Labcorp
Classification: Uncertain significance for Bethlem myopathy 1A. Last evaluated: 2025-09-20. Review status: criteria provided, single submitter. Criteria: Invitae Variant Classification Sherloc (09022015). Collection method: clinical testing. Allele origin: germline.
Comment: This sequence change replaces phenylalanine, which is neutral and non-polar, with leucine, which is neutral and non-polar, at codon 1394 of the COL6A3 protein (p.Phe1394Leu). The frequency data for this variant in the population databases is considered unreliable, as metrics indicate poor data quality at this position in the gnomAD database. This variant has not been reported in the literature in individuals affected with COL6A3-related conditions. ClinVar contains an entry for this variant (Variation ID: 1393519). Invitae Evidence Modeling of protein sequence and biophysical properties (such as structural, functional, and spatial information, amino acid conservation, physicochemical variation, residue mobility, and thermodynamic stability) indicates that this missense variant is not expected to disrupt COL6A3 protein function with a negative predictive value of 80%. In summary, the available evidence is currently insufficient to determine the role of this variant in disease. Therefore, it has been classified as a Variant of Uncertain Significance.